The following is an entry in ClinVar:

ClinVar aggregate classification (germline): Uncertain significance (1 of 4 stars; one submission).

Conditions:
Congenital sideroblastic anemia-B-cell immunodeficiency-periodic fever-developmental delay syndrome. Also called: Sideroblastic anemia with B-cell immunodeficiency, periodic fevers, and developmental delay. Identifiers: Orphanet 369861, MedGen C4015172, MONDO:0014487, OMIM 616084.

Allele frequency attached by ClinVar (database versions not stated): ExAC 0.00001; TOPMed 0.00002.
gnomAD v4.1: 4 of 1,613,920 alleles (0.00025%); highest among the groups gnomAD compares: East Asian, 0.0089%; no homozygotes.

Submission:

Labcorp Genetics (formerly Invitae), Labcorp
Classification: Uncertain significance for Congenital sideroblastic anemia-B-cell immunodeficiency-periodic fever-developmental delay syndrome. Last evaluated: 2021-04-24. Review status: criteria provided, single submitter. Criteria: Invitae Variant Classification Sherloc (09022015). Collection method: clinical testing. Allele origin: germline.
Comment: In summary, the available evidence is currently insufficient to determine the role of this variant in disease. Therefore, it has been classified as a Variant of Uncertain Significance. Algorithms developed to predict the effect of missense changes on protein structure and function output the following: SIFT: "Tolerated"; PolyPhen-2: "Benign"; Align-GVGD: "Class C0". The histidine amino acid residue is found in multiple mammalian species, suggesting that this missense change does not adversely affect protein function. These predictions have not been confirmed by published functional studies and their clinical significance is uncertain. This variant has not been reported in the literature in individuals with TRNT1-related conditions. This variant is present in population databases (rs754086954, ExAC 0.01%). This sequence change replaces glutamine with histidine at codon 25 of the TRNT1 protein (p.Gln25His). The glutamine residue is weakly conserved and there is a small physicochemical difference between glutamine and histidine.

NM_182916.3(TRNT1):c.75G>T (p.Gln25His)

Gene: TRNT1 (tRNA nucleotidyl transferase 1; plus strand). Cytogenetic location: 3p26.2.
Variant type: single nucleotide variant.
Coding change: c.75G>T on transcript NM_182916.3 (MANE Select); coding-DNA position 75, G replaced by T.
Protein change: p.Gln25His; replaces glutamine 25 with histidine.
Molecular consequence: missense variant. On other transcripts: non-coding transcript variant (11).
Genome position (GRCh38, 1-based): chr3:3,129,115, G>T. VCF-style: chr3-3129115-G-T. GRCh37 (hg19) VCF-style: chr3-3170799-G-T.
Other names: c.75G>T, p.Gln25His (NM_001302946.2, NM_001367321.1, NM_001367322.1 and 1 more transcripts); short protein forms Q25H.
Identifiers: ClinVar variation 1348519 (VCV001348519.7), dbSNP rs754086954, ClinGen allele CA2228506.